The following is an entry in ClinVar:

NM_006231.4(POLE):c.3862G>C (p.Ala1288Pro)

Gene: POLE (DNA polymerase epsilon, catalytic subunit; minus strand). Cytogenetic location: 12q24.33.
Variant type: single nucleotide variant.
Coding change: c.3862G>C on transcript NM_006231.4 (MANE Select); coding-DNA position 3862, G replaced by C.
Protein change: p.Ala1288Pro; replaces alanine 1288 with proline.
Molecular consequence: missense variant.
Genome position (GRCh38, 1-based): chr12:132,649,449, C>G on the plus strand (G>C on the coding strand, the complement: POLE is on the minus strand). VCF-style: chr12-132649449-C-G. GRCh37 (hg19) VCF-style: chr12-133226035-C-G.
Other names: short protein forms A1288P.
Identifiers: ClinVar variation 3781611 (VCV003781611.1).

ClinVar aggregate classification (germline): Uncertain significance (1 of 4 stars; one submission).

Conditions:
Hereditary cancer-predisposing syndrome. Also called: Neoplastic Syndromes, Hereditary; Hereditary Cancer Syndrome; Tumor predisposition; Hereditary neoplastic syndrome. Identifiers: Orphanet 140162, MedGen C0027672, MeSH D009386, MONDO:0015356.

Submission:

Ambry Genetics
Classification: Uncertain significance for Hereditary cancer-predisposing syndrome. Last evaluated: 2025-03-12. Review status: criteria provided, single submitter. Criteria: Ambry Variant Classification Scheme 2023. Collection method: clinical testing. Allele origin: germline.
Comment: The p.A1288P variant (also known as c.3862G>C), located in coding exon 31 of the POLE gene, results from a G to C substitution at nucleotide position 3862. The alanine at codon 1288 is replaced by proline, an amino acid with highly similar properties. This amino acid position is conserved. In addition, this alteration is predicted to be tolerated by in silico analysis. Based on the available evidence, the clinical significance of this variant remains unclear.